The following is an entry in ClinVar:

NM_133497.4(KCNV2):c.978C>T (p.Asp326=)

Gene: KCNV2 (potassium voltage-gated channel modifier subfamily V member 2; plus strand). Cytogenetic location: 9p24.2.
Variant type: single nucleotide variant.
Coding change: c.978C>T on transcript NM_133497.4 (MANE Select); coding-DNA position 978, C replaced by T.
Protein change: p.Asp326=; no amino-acid change (aspartic acid 326 retained).
Molecular consequence: synonymous variant.
Genome position (GRCh38, 1-based): chr9:2,718,717, C>T. VCF-style: chr9-2718717-C-T. GRCh37 (hg19) VCF-style: chr9-2718717-C-T.
Identifiers: ClinVar variation 262364 (VCV000262364.15), dbSNP rs7860945, ClinGen allele CA4965710.

ClinVar aggregate classification (germline): Benign. Review status: criteria provided, multiple submitters, no conflicts (2 of 4 stars). 4 submissions from 4 submitters: Benign (4). Last evaluated 2026-02-02.

Conditions:
Cone dystrophy with supernormal rod response (CDSRR). Also called: CONE DYSTROPHY WITH SUPERNORMAL ROD RESPONSES. Identifiers: Orphanet 209932, MedGen C1835897, MONDO:0012475, OMIM 610356.

Allele frequency attached by ClinVar (database versions not stated): 1000 Genomes Project 30x 0.03404; gnomAD 0.04591 and 0.04812; 1000 Genomes Project 0.03335; TOPMed 0.04776; ESP Exome Variant Server 0.05146; gnomAD exomes 0.03441 and 0.04194; ExAC 0.03506.
gnomAD v4.1: 67,976 of 1,613,088 alleles (4.2%); highest among the groups gnomAD compares: African/African-American, 6.3%; 1,599 homozygotes.

Submissions (4):

Labcorp Genetics (formerly Invitae), Labcorp
Classification: Benign. Last evaluated: 2026-02-02. Review status: criteria provided, single submitter. Criteria: Invitae Variant Classification Sherloc (09022015). Collection method: clinical testing. Allele origin: germline.

Illumina Laboratory Services, Illumina
Classification: Benign for Cone dystrophy with supernormal rod response. Last evaluated: 2018-01-13. Review status: criteria provided, single submitter. Criteria: ICSL Variant Classification Criteria 13 December 2019. Collection method: clinical testing. Allele origin: germline.
Comment: This variant was observed in the ICSL laboratory as part of a predisposition screen in an ostensibly healthy population. It had not been previously curated by ICSL or reported in the Human Gene Mutation Database (HGMD: prior to June 1st, 2018), and was therefore a candidate for classification through an automated scoring system. Utilizing variant allele frequency, disease prevalence and penetrance estimates, and inheritance mode, an automated score was calculated to assess if this variant is too frequent to cause the disease. Based on the score and internal cut-off values, a variant classified as benign is not then subjected to further curation. The score for this variant resulted in a classification of benign for this disease.

Breakthrough Genomics
Classification: Benign. Review status: criteria provided, single submitter. Criteria: ACMG Guidelines, 2015. Collection method: not provided. Allele origin: germline. Inheritance: Autosomal recessive inheritance. Affected: yes.

PreventionGenetics, part of Exact Sciences
Classification: Benign. Review status: criteria provided, single submitter. Criteria: ACMG Guidelines, 2015. Collection method: clinical testing. Allele origin: germline.